The following is an entry in ClinVar:

ClinVar aggregate classification (germline): Uncertain significance (1 of 4 stars; one submission).

Conditions:
Hereditary cancer-predisposing syndrome. Also called: Tumor predisposition; Hereditary neoplastic syndrome; Hereditary Cancer Syndrome; Neoplastic Syndromes, Hereditary. Identifiers: Orphanet 140162, MedGen C0027672, MeSH D009386, MONDO:0015356.

Submission:

Ambry Genetics
Classification: Uncertain significance for Hereditary cancer-predisposing syndrome. Last evaluated: 2023-11-23. Review status: criteria provided, single submitter. Criteria: Ambry Variant Classification Scheme 2023. Collection method: clinical testing. Allele origin: germline.
Comment: The p.K751Q variant (also known as c.2251A>C), located in coding exon 9 of the AXIN2 gene, results from an A to C substitution at nucleotide position 2251. The lysine at codon 751 is replaced by glutamine, an amino acid with similar properties. This amino acid position is conserved. In addition, this alteration is predicted to be tolerated by in silico analysis. Since supporting evidence is limited at this time, the clinical significance of this alteration remains unclear.

NM_004655.4(AXIN2):c.2251A>C (p.Lys751Gln)

Gene: AXIN2 (axin 2; minus strand). Cytogenetic location: 17q24.1.
Variant type: single nucleotide variant.
Coding change: c.2251A>C on transcript NM_004655.4 (MANE Select); coding-DNA position 2251, A replaced by C.
Protein change: p.Lys751Gln; replaces lysine 751 with glutamine.
Molecular consequence: missense variant.
Genome position (GRCh38, 1-based): chr17:65,534,066, T>G on the plus strand (A>C on the coding strand, the complement: AXIN2 is on the minus strand). VCF-style: chr17-65534066-T-G. GRCh37 (hg19) VCF-style: chr17-63530184-T-G.
Other names: c.2056A>C, p.Lys686Gln (NM_001363813.1); short protein forms K686Q, K751Q.
Identifiers: ClinVar variation 3224394 (VCV003224394.1), dbSNP rs1598094100, ClinGen allele CA400675652.
Genomic context (GRCh38, chr17:65,534,066, plus strand): 5'-AGAAAAAGTAAGTGACAACCAACTCACTGGCCTGGAGCGCGTGGACACCTGCCAGTTTCT[T>G]TGGCTCTTTGTGACTGAAAATAAGATGGAATGGAACAAGTTTAGCATTTTAAAGCAGACA-3'
Protein context (NP_004646.3, residues 741-761): SLAPEDHKEP[Lys751Gln]KLAGVHALQA